The following is an entry in ClinVar:

NM_176787.5(PIGN):c.2091_2093del (p.Val698del)

Gene: PIGN (phosphatidylinositol glycan anchor biosynthesis class N; minus strand). Cytogenetic location: 18q21.33.
Variant type: Deletion.
Coding change: c.2091_2093del on transcript NM_176787.5 (MANE Select); coding-DNA positions 2091 to 2093, 3 bases deleted (TGT; older notation c.2091_2093delTGT).
Protein change: p.Val698del; deletes valine 698.
Molecular consequence: inframe deletion.
Genome position (GRCh38, 1-based): chr18:62,095,935-62,095,937, ACA deleted on the plus strand (TGT on the coding strand, the reverse complement: PIGN is on the minus strand); deleting any 3 consecutive bases within chr18:62,095,935-62,095,939 gives the same sequence; the c. name uses the placement nearest the transcript's 3' end. VCF-style (leftmost placement, unchanged base first): chr18-62095934-CACA-C. GRCh37 (hg19) VCF-style: chr18-59763167-CACA-C.
Other names: c.2091_2093del, p.Val698del (NM_012327.6); c.2091_2093delTGT (NM_176787.4); short protein forms V698del.
Identifiers: ClinVar variation 520603 (VCV000520603.8), dbSNP rs1167158496, ClinGen allele CA658799081.
Genomic context (GRCh38, chr18:62,095,934, plus strand): 5'-CATCAATGAAAGAAGTATGCTGAACAATCGCTGAAAGAGAACTGGAGAACTCAGTAGTGG[CACA>C]ACCAAGGAAGAGGCTGCAATGAAACAGAACAGGTCATCTGTCAGTATAAGAGACACAAAA-3'

ClinVar aggregate classification (germline): Likely pathogenic. Review status: criteria provided, multiple submitters, no conflicts (2 of 4 stars). 2 submissions from 2 submitters: Likely pathogenic (2). Last evaluated 2026-02-11.

Conditions:
Inborn genetic diseases. Identifiers: MedGen C0950123, MeSH D030342.

Submissions (2):

Ambry Genetics
Classification: Likely pathogenic for Inborn genetic diseases. Last evaluated: 2026-02-11. Review status: criteria provided, single submitter. Criteria: Ambry Variant Classification Scheme 2023. Collection method: clinical testing. Allele origin: germline.
Comment: The c.2091_2093delTGT (p.V698del) alteration, located in coding exon 20 of the PIGN gene, results from an in-frame deletion at nucleotide positions 2091 to 2093. This results in the deletion of a valine residue at codon 698. This variant was not reported in population-based cohorts in the Genome Aggregation Database (gnomAD). This variant has been identified in the homozygous state and/or in conjunction with other PIGN variant(s) in individual(s) with features consistent with PIGN-related glycosylphosphatidylinositol deficiency; in at least one instance, the variants were identified in trans (Loong, 2023; Bayat, 2022; Dang Do, 2023). This amino acid position is not well conserved in available vertebrate species. This alteration is predicted to be deleterious by in silico analysis (Choi, 2012). Based on the available evidence, this alteration is classified as likely pathogenic.

GeneDx
Classification: Likely pathogenic. Last evaluated: 2026-01-16. Review status: criteria provided, single submitter. Criteria: GeneDx Variant Classification Process June 2021. Collection method: clinical testing. Allele origin: germline. Affected: yes.
Comment: Not observed at significant frequency in large population cohorts (gnomAD); In-frame deletion of 1 amino acid(s) in a non-repeat region; In silico analysis supports a deleterious effect on protein structure/function; This variant is associated with the following publications: (PMID: 27038415, 26879448, 26419326, 26394714, 26364997, 25920937, 24852103, 24253414, 21493957, 18635593, 10574991, 35179230, 36322149, 36719165)

Literature cited by the submitters: PubMed 35179230 (cited by Ambry Genetics); PubMed 36322149 (cited by Ambry Genetics); PubMed 36719165 (cited by Ambry Genetics).